The following is an entry in ClinVar:

ClinVar aggregate classification (germline): Pathogenic (1 of 4 stars; one submission).

Conditions:
Tumor predisposition syndrome 3 (TPDS3). Also called: LONG TELOMERE SYNDROME, POT1-RELATED; POT1 Tumor Predisposition; Glioma susceptibility 9; Melanoma, cutaneous malignant, susceptibility to, 10. Identifiers: Orphanet 618, MedGen C4014476, MONDO:0014368, OMIM 615848.

Submission:

Labcorp Genetics (formerly Invitae), Labcorp
Classification: Pathogenic for Tumor predisposition syndrome 3. Last evaluated: 2022-08-22. Review status: criteria provided, single submitter. Criteria: Invitae Variant Classification Sherloc (09022015). Collection method: clinical testing. Allele origin: germline.
Comment: This premature translational stop signal has been observed in individual(s) with uveal melanoma (PMID: 32907878). For these reasons, this variant has been classified as Pathogenic. ClinVar contains an entry for this variant (Variation ID: 1453462). This variant is present in population databases (no rsID available, gnomAD 0.0009%). This sequence change creates a premature translational stop signal (p.Gln87Serfs*4) in the POT1 gene. It is expected to result in an absent or disrupted protein product. Loss-of-function variants in POT1 are known to be pathogenic (PMID: 32155570).

Literature cited by the submitters: PubMed 32907878; PubMed 32155570.

NM_015450.3(POT1):c.258dup (p.Gln87fs)

Gene: POT1 (protection of telomeres 1; minus strand). Cytogenetic location: 7q31.33.
Variant type: Duplication.
Coding change: c.258dup on transcript NM_015450.3 (MANE Select); coding-DNA position 258, one base duplicated (T; older notation c.258dupT).
Protein change: p.Gln87fs; shifts the reading frame from glutamine 87.
Molecular consequence: frameshift variant. On other transcripts: 5 prime UTR variant (1), non-coding transcript variant (3).
Genome position (GRCh38, 1-based): chr7:124,863,638, A duplicated on the plus strand (T on the coding strand, the reverse complement: POT1 is on the minus strand); the first of 2 consecutive A bases (chr7:124,863,638-124,863,639); duplicating either gives the same sequence. VCF-style (leftmost placement, unchanged base first): chr7-124863637-G-GA. GRCh37 (hg19) VCF-style: chr7-124503691-G-GA.
Other names: c.-136dup (NM_001042594.2); short protein forms Q87fs.
Identifiers: ClinVar variation 1453462 (VCV001453462.6), dbSNP rs1230015941, ClinGen allele CA577682110.